The following is an entry in ClinVar:

NM_031935.3(HMCN1):c.6220C>G (p.Gln2074Glu)

Gene: HMCN1 (hemicentin 1; plus strand). Cytogenetic location: 1q31.1.
Variant type: single nucleotide variant.
Coding change: c.6220C>G on transcript NM_031935.3 (MANE Select); coding-DNA position 6220, C replaced by G.
Protein change: p.Gln2074Glu; replaces glutamine 2074 with glutamic acid.
Molecular consequence: missense variant.
Genome position (GRCh38, 1-based): chr1:186,041,052, C>G. VCF-style: chr1-186041052-C-G. GRCh37 (hg19) VCF-style: chr1-186010184-C-G.
Other names: short protein forms Q2074E.
Identifiers: ClinVar variation 1516861 (VCV001516861.6), dbSNP rs200822474, ClinGen allele CA343899330.

ClinVar aggregate classification (germline): Uncertain significance (1 of 4 stars; one submission).

gnomAD v4.1: 13 of 1,612,794 alleles (0.00081%); highest among the groups gnomAD compares: Non-Finnish European, 0.0011%; no homozygotes.

Submission:

Labcorp Genetics (formerly Invitae), Labcorp
Classification: Uncertain significance. Last evaluated: 2025-05-30. Review status: criteria provided, single submitter. Criteria: Invitae Variant Classification Sherloc (09022015). Collection method: clinical testing. Allele origin: germline.
Comment: This sequence change replaces glutamine, which is neutral and polar, with glutamic acid, which is acidic and polar, at codon 2074 of the HMCN1 protein (p.Gln2074Glu). This variant is present in population databases (no rsID available, gnomAD 0.003%). This variant has not been reported in the literature in individuals affected with HMCN1-related conditions. ClinVar contains an entry for this variant (Variation ID: 1516861). An algorithm developed to predict the effect of missense changes on protein structure and function (PolyPhen-2) suggests that this variant is likely to be disruptive. In summary, the available evidence is currently insufficient to determine the role of this variant in disease. Therefore, it has been classified as a Variant of Uncertain Significance.